The following is an entry in ClinVar:

ClinVar aggregate classification (germline): Uncertain significance (1 of 4 stars; one submission).

Conditions:
Ataxia-telangiectasia syndrome (AT). Also called: Ataxia-telangiectasia, complementation group E; ATAXIA-TELANGIECTASIA, COMPLEMENTATION GROUP A; ATAXIA-TELANGIECTASIA, FRESNO VARIANT; Ataxia-telangiectasia, complementation group D; AT, COMPLEMENTATION GROUP C; Ataxia-telangiectasia. Identifiers: Orphanet 100, MedGen C0004135, MONDO:0008840, OMIM 208900.

gnomAD v4.1: 1 of 1,613,796 alleles (0.000062%); highest among the groups gnomAD compares: East Asian, 0.0022%; no homozygotes.

Submission:

Labcorp Genetics (formerly Invitae), Labcorp
Classification: Uncertain significance for Ataxia-telangiectasia syndrome. Last evaluated: 2024-06-20. Review status: criteria provided, single submitter. Criteria: Invitae Variant Classification Sherloc (09022015). Collection method: clinical testing. Allele origin: germline.
Comment: This sequence change replaces proline, which is neutral and non-polar, with arginine, which is basic and polar, at codon 411 of the ATM protein (p.Pro411Arg). This variant is not present in population databases (gnomAD no frequency). This missense change has been observed in individual(s) with breast cancer (PMID: 30287823). An algorithm developed to predict the effect of missense changes on protein structure and function (PolyPhen-2) suggests that this variant is likely to be disruptive. Algorithms developed to predict the effect of sequence changes on RNA splicing suggest that this variant may disrupt the consensus splice site. In summary, the available evidence is currently insufficient to determine the role of this variant in disease. Therefore, it has been classified as a Variant of Uncertain Significance.

Literature cited by the submitters: PubMed 30287823.

NM_000051.4(ATM):c.1232C>G (p.Pro411Arg)

Gene: ATM (ATM serine/threonine kinase; plus strand). Cytogenetic location: 11q22.3.
Variant type: single nucleotide variant.
Coding change: c.1232C>G on transcript NM_000051.4 (MANE Select); coding-DNA position 1232, C replaced by G.
Protein change: p.Pro411Arg; replaces proline 411 with arginine.
Molecular consequence: missense variant.
Genome position (GRCh38, 1-based): chr11:108,249,099, C>G. VCF-style: chr11-108249099-C-G. GRCh37 (hg19) VCF-style: chr11-108119826-C-G.
Other names: c.1232C>G, p.Pro411Arg (NM_001351834.2); short protein forms P411R.
Identifiers: ClinVar variation 3706381 (VCV003706381.2).